The following is an entry in ClinVar:

ClinVar aggregate classification (germline): Benign (1 of 4 stars; one submission).

Conditions:
Von Hippel-Lindau syndrome (VHLS). Also called: Von Hippel-Lindau; von Hippel–Lindau syndrome; VHL syndrome. Identifiers: Orphanet 892, MedGen C0019562, MONDO:0008667, OMIM 193300. Disease mechanism: loss of function.

Submission:

Myriad Genetics, Inc.
Classification: Benign for Von Hippel-Lindau syndrome. Last evaluated: 2025-06-10. Review status: criteria provided, single submitter. Criteria: Myriad Autosomal Dominant, Autosomal Recessive and X-Linked Classification Criteria (2023). Collection method: clinical testing. Allele origin: unknown.
Comment: This variant is considered benign. This variant is a silent/synonymous amino acid change and it is not expected to impact splicing.

NM_000551.4(VHL):c.186G>A (p.Val62=)

Gene: VHL (von Hippel-Lindau tumor suppressor; plus strand). Cytogenetic location: 3p25.3.
Variant type: single nucleotide variant.
Coding change: c.186G>A on transcript NM_000551.4 (MANE Select); coding-DNA position 186, G replaced by A.
Protein change: p.Val62=; no amino-acid change (valine 62 retained).
Molecular consequence: synonymous variant. On other transcripts: non-coding transcript variant (1).
Genome position (GRCh38, 1-based): chr3:10,142,033, G>A. VCF-style: chr3-10142033-G-A. GRCh37 (hg19) VCF-style: chr3-10183717-G-A.
Other names: c.186G>A, p.Val62= (NM_001354723.2, NM_198156.3).
Identifiers: ClinVar variation 4071161 (VCV004071161.1).